The following is an entry in ClinVar:

ClinVar aggregate classification (germline): Conflicting classifications of pathogenicity. Review status: criteria provided, conflicting classifications (1 of 4 stars). 12 submissions from 12 submitters: Uncertain significance (4); Likely benign (8). Last evaluated 2026-01-31.

Conditions:
FLNC-related disorder. Also called: FLNC-related condition; FLNC-related disorders.
Cardiovascular phenotype. Identifiers: MedGen CN230736.
Hypertrophic cardiomyopathy 26. Also called: Cardiomyopathy, familial hypertrophic, 26. Identifiers: Orphanet 75249, MedGen C4310749, MONDO:0014883, OMIM 617047.
Myofibrillar myopathy 5. Also called: Filaminopathy (type); FILAMINOPATHY, AUTOSOMAL DOMINANT. Identifiers: Orphanet 171445, MedGen C1836050, MONDO:0012289, OMIM 609524.
Distal myopathy with posterior leg and anterior hand involvement. Also called: WILLIAMS DISTAL MYOPATHY. Identifiers: Orphanet 63273, MedGen C3279722, MONDO:0013550, OMIM 614065.

Allele frequency attached by ClinVar (database versions not stated): TOPMed 0.00034; ESP Exome Variant Server 0.00008; ExAC 0.00017; gnomAD 0.00019.
gnomAD v4.1: 660 of 1,613,908 alleles (0.041%); highest among the groups gnomAD compares: Non-Finnish European, 0.052%; no homozygotes.

Submissions (12):

Labcorp Genetics (formerly Invitae), Labcorp
Classification: Likely benign for Distal myopathy with posterior leg and anterior hand involvement; Myofibrillar myopathy 5; Hypertrophic cardiomyopathy 26. Last evaluated: 2026-01-31. Review status: criteria provided, single submitter. Criteria: Invitae Variant Classification Sherloc (09022015). Collection method: clinical testing. Allele origin: germline.

Women's Health and Genetics/Laboratory Corporation of America, LabCorp
Classification: Likely benign. Last evaluated: 2025-11-11. Review status: criteria provided, single submitter. Criteria: LabCorp Variant Classification Summary - May 2015. Collection method: clinical testing. Allele origin: germline.
Comment: Variant summary: FLNC c.3938G>A (p.Arg1313Gln) results in a conservative amino acid change in the encoded protein sequence. Algorithms developed to predict the effect of missense changes on protein structure and function are either unavailable or do not agree on the potential impact of this missense change. The variant allele was found at a frequency of 0.0002 in 249112 control chromosomes. The observed variant frequency exceeds the estimated maximal expected allele frequency for disease-causing variants in FLNC. To our knowledge, no occurrence of c.3938G>A in individuals affected with FLNC-related conditions and no experimental evidence demonstrating its impact on protein function have been reported. ClinVar contains an entry for this variant (Variation ID: 472052). Based on the evidence outlined above, the variant was classified as likely benign.

Mayo Clinic Laboratories, Mayo Clinic
Classification: Likely benign. Last evaluated: 2025-09-10. Review status: criteria provided, single submitter. Criteria: ACMG Guidelines, 2015. Collection method: clinical testing. Allele origin: germline. Observed: 2 variant alleles.
Comment: BS1

PreventionGenetics, part of Exact Sciences
Classification: Likely benign for FLNC-related condition. Last evaluated: 2025-08-27. Review status: criteria provided, single submitter. Criteria: ACMG Guidelines, 2015. Collection method: clinical testing. Allele origin: germline.
Comment: This variant is classified as likely benign based on ACMG/AMP sequence variant interpretation guidelines (Richards et al. 2015 PMID: 25741868, with internal and published modifications).

ARUP Laboratories, Molecular Genetics and Genomics, ARUP Laboratories
Classification: Uncertain significance. Last evaluated: 2025-04-16. Review status: criteria provided, single submitter. Criteria: ARUP Molecular Germline Variant Investigation Process 2024. Collection method: clinical testing. Allele origin: germline.
Comment: The FLNC c.3938G>A; p.Arg1313Gln variant (rs199804244), to our knowledge, is not reported in the medical literature but is reported in ClinVar (Variation ID: 472052). This variant is found in the non-Finnish European population with an allele frequency of 0.04% (51/128,340 alleles) in the Genome Aggregation Database (v2.1.1). Computational analyses are uncertain whether this variant is neutral or deleterious (REVEL: 0.412). Due to limited information, the clinical significance of this variant is uncertain at this time.

Molecular Diagnostic Laboratory for Inherited Cardiovascular Disease, Montreal Heart Institute
Classification: Likely benign. Last evaluated: 2025-04-09. Review status: criteria provided, single submitter. Criteria: ACMG Guidelines, 2015. Collection method: clinical testing. Allele origin: germline. Affected: no.

CeGaT Center for Human Genetics Tuebingen
Classification: Likely benign. Last evaluated: 2025-02-01. Review status: criteria provided, single submitter. Criteria: CeGaT Center For Human Genetics Tuebingen Variant Classification Criteria Version 2. Collection method: clinical testing. Allele origin: germline. Affected: yes. Observed: 2 variant alleles.
Comment: FLNC: BP4, BS2

Blueprint Genetics
Classification: Likely benign. Last evaluated: 2024-10-21. Review status: criteria provided, single submitter. Criteria: ACMG Guidelines, 2015. Collection method: clinical testing. Allele origin: germline.

Ambry Genetics
Classification: Uncertain significance for Cardiovascular phenotype. Last evaluated: 2024-06-28. Review status: criteria provided, single submitter. Criteria: Ambry Variant Classification Scheme 2023. Collection method: clinical testing. Allele origin: germline.

Department of Pathology and Laboratory Medicine, Sinai Health System
Classification: Uncertain significance for Myofibrillar myopathy 5; Distal myopathy with posterior leg and anterior hand involvement; Hypertrophic cardiomyopathy 26. Last evaluated: 2022-11-22. Review status: criteria provided, single submitter. Criteria: ACMG Guidelines, 2015. Collection method: research. Allele origin: germline.

Center for Genomics, Ann and Robert H. Lurie Children's Hospital of Chicago
Classification: Uncertain significance for Hypertrophic cardiomyopathy 26; Distal myopathy with posterior leg and anterior hand involvement; Myofibrillar myopathy 5. Last evaluated: 2021-03-30. Review status: criteria provided, single submitter. Criteria: ACMG Guidelines, 2015. Collection method: clinical testing. Allele origin: germline.
Comment: FLNC NM_001458.4 exon 22 p.Arg1313Gln (c.3938G>A): This variant has not been reported in the literature and is present in 0.04% (51/128340) of European alleles in the Genome Aggregation Database. This variant is present in ClinVar (Variation ID:472052). Evolutionary conservation and computational predictive tools for this variant are unclear. In summary, data on this variant is insufficient for disease classification. Therefore, the clinical significance of this variant is uncertain.

GeneDx
Classification: Likely benign. Last evaluated: 2018-03-07. Review status: criteria provided, single submitter. Criteria: GeneDx Variant Classification (06012015). Collection method: clinical testing. Allele origin: germline. Affected: yes.
Comment: This variant is considered likely benign or benign based on one or more of the following criteria: it is a conservative change, it occurs at a poorly conserved position in the protein, it is predicted to be benign by multiple in silico algorithms, and/or has population frequency not consistent with disease.

NM_001458.5(FLNC):c.3938G>A (p.Arg1313Gln)

Gene: FLNC (filamin C; plus strand). Cytogenetic location: 7q32.1.
Variant type: single nucleotide variant.
Coding change: c.3938G>A on transcript NM_001458.5 (MANE Select); coding-DNA position 3938, G replaced by A.
Protein change: p.Arg1313Gln; replaces arginine 1313 with glutamine.
Molecular consequence: missense variant.
Genome position (GRCh38, 1-based): chr7:128,846,137, G>A. VCF-style: chr7-128846137-G-A. GRCh37 (hg19) VCF-style: chr7-128486191-G-A.
Other names: p.Arg1313Gln; c.3938G>A, p.Arg1313Gln (NM_001127487.2); short protein forms R1313Q.
Identifiers: ClinVar variation 472052 (VCV000472052.89), dbSNP rs199804244, ClinGen allele CA4475180.